The following is an entry in ClinVar:

ClinVar aggregate classification (germline): Uncertain significance. Review status: criteria provided, multiple submitters, no conflicts (2 of 4 stars). 2 submissions from 2 submitters: Uncertain significance (2). Last evaluated 2025-10-21.

Conditions:
Inborn genetic diseases. Identifiers: MedGen C0950123, MeSH D030342.

Submissions (2):

Ambry Genetics
Classification: Uncertain significance for Inborn genetic diseases. Last evaluated: 2025-10-21. Review status: criteria provided, single submitter. Criteria: Ambry Variant Classification Scheme 2023. Collection method: clinical testing. Allele origin: germline.

Labcorp Genetics (formerly Invitae), Labcorp
Classification: Uncertain significance. Last evaluated: 2022-07-26. Review status: criteria provided, single submitter. Criteria: Invitae Variant Classification Sherloc (09022015). Collection method: clinical testing. Allele origin: germline.
Comment: This sequence change replaces arginine, which is basic and polar, with glycine, which is neutral and non-polar, at codon 1362 of the CACNA1F protein (p.Arg1362Gly). In summary, the available evidence is currently insufficient to determine the role of this variant in disease. Therefore, it has been classified as a Variant of Uncertain Significance. Algorithms developed to predict the effect of missense changes on protein structure and function are either unavailable or do not agree on the potential impact of this missense change (SIFT: "Deleterious"; PolyPhen-2: "Benign"; Align-GVGD: "Class C65"). This variant has not been reported in the literature in individuals affected with CACNA1F-related conditions. This variant is not present in population databases (gnomAD no frequency).

NM_001256789.3(CACNA1F):c.4051C>G (p.Arg1351Gly)

Gene: CACNA1F (calcium voltage-gated channel subunit alpha1 F; minus strand). Cytogenetic location: Xp11.23.
Variant type: single nucleotide variant.
Coding change: c.4051C>G on transcript NM_001256789.3 (MANE Select); coding-DNA position 4051, C replaced by G.
Protein change: p.Arg1351Gly; replaces arginine 1351 with glycine.
Molecular consequence: missense variant.
Genome position (GRCh38, 1-based): chrX:49,211,947, G>C on the plus strand (C>G on the coding strand, the complement: CACNA1F is on the minus strand). VCF-style: chrX-49211947-G-C. GRCh37 (hg19) VCF-style: chrX-49068407-G-C.
Other names: c.3889C>G, p.Arg1297Gly (NM_001256790.3); c.4084C>G, p.Arg1362Gly (NM_005183.4); c.4084C>G (NM_005183.2); short protein forms R1351G, R1297G, R1362G.
Identifiers: ClinVar variation 2081068 (VCV002081068.5), dbSNP rs782740998, ClinGen allele CA412961938.
Genomic context (GRCh38, chrX:49,211,947, plus strand): 5'-GTAGATGTCACCTGAACAGAAGCAGCACAGCCTGTGGAAAGGTCTGGAAGTTGTTGTTTC[G>C]GTTTATCTGTGTGCCATCCTGAAGAGCCACCTTGCCGAACATCTGTGGACACATCAAGGC-3'
Protein context (NP_001243718.1, residues 1341-1361): VALQDGTQIN[Arg1351Gly]NNNFQTFPQA